The following is an entry in ClinVar:

NM_019032.6(ADAMTSL4):c.2378G>T (p.Ser793Ile)

Gene: ADAMTSL4 (ADAMTS like 4; plus strand). Cytogenetic location: 1q21.2.
Variant type: single nucleotide variant.
Coding change: c.2378G>T on transcript NM_019032.6 (MANE Select); coding-DNA position 2378, G replaced by T.
Protein change: p.Ser793Ile; replaces serine 793 with isoleucine.
Molecular consequence: missense variant.
Genome position (GRCh38, 1-based): chr1:150,558,145, G>T. VCF-style: chr1-150558145-G-T. GRCh37 (hg19) VCF-style: chr1-150530621-G-T.
Other names: c.2261G>T, p.Ser754Ile (NM_001288607.2); c.2447G>T, p.Ser816Ile (NM_001288608.2); c.2378G>T, p.Ser793Ile (NM_001378596.1, NM_025008.5); short protein forms S754I, S793I, S816I.
Identifiers: ClinVar variation 1467452 (VCV001467452.6), dbSNP rs1414780977, ClinGen allele CA342315000.

ClinVar aggregate classification (germline): Uncertain significance (1 of 4 stars; one submission).

gnomAD v4.1: 1 of 1,613,440 alleles (0.000062%); highest among the groups gnomAD compares: Admixed American, 0.0017%; no homozygotes.

Submission:

Labcorp Genetics (formerly Invitae), Labcorp
Classification: Uncertain significance. Last evaluated: 2022-07-25. Review status: criteria provided, single submitter. Criteria: Invitae Variant Classification Sherloc (09022015). Collection method: clinical testing. Allele origin: germline.
Comment: This sequence change replaces serine, which is neutral and polar, with isoleucine, which is neutral and non-polar, at codon 793 of the ADAMTSL4 protein (p.Ser793Ile). This variant is not present in population databases (gnomAD no frequency). This variant has not been reported in the literature in individuals affected with ADAMTSL4-related conditions. ClinVar contains an entry for this variant (Variation ID: 1467452). Algorithms developed to predict the effect of missense changes on protein structure and function (SIFT, PolyPhen-2, Align-GVGD) all suggest that this variant is likely to be disruptive. In summary, the available evidence is currently insufficient to determine the role of this variant in disease. Therefore, it has been classified as a Variant of Uncertain Significance.